The following is an entry in ClinVar:

ClinVar aggregate classification (germline): Conflicting classifications of pathogenicity. Review status: criteria provided, conflicting classifications (1 of 4 stars). 4 submissions from 4 submitters: Uncertain significance (2); Likely benign (2). Last evaluated 2025-11-15.

Conditions:
Hereditary cancer-predisposing syndrome. Also called: Neoplastic Syndromes, Hereditary; Hereditary Cancer Syndrome; Tumor predisposition; Hereditary neoplastic syndrome. Identifiers: Orphanet 140162, MedGen C0027672, MeSH D009386, MONDO:0015356.
Neurofibromatosis, type 2 (SWNV). Also called: BILATERAL ACOUSTIC NEUROFIBROMATOSIS; NF2-Related Schwannomatosis; SCHWANNOMATOSIS, VESTIBULAR. Identifiers: Orphanet 637, MedGen C0027832, MONDO:0007039, OMIM 101000. Disease mechanism: loss of function.

Allele frequency attached by ClinVar (database versions not stated): TOPMed below 0.00001; gnomAD exomes 0.00001.
gnomAD v4.1: 13 of 1,614,228 alleles (0.00081%); highest among the groups gnomAD compares: Non-Finnish European, 0.0011%; no homozygotes.

Submissions (4):

Labcorp Genetics (formerly Invitae), Labcorp
Classification: Likely benign for Neurofibromatosis, type 2. Last evaluated: 2025-11-15. Review status: criteria provided, single submitter. Criteria: Invitae Variant Classification Sherloc (09022015). Collection method: clinical testing. Allele origin: germline.

Color Diagnostics, LLC DBA Color Health
Classification: Uncertain significance for Neurofibromatosis, type 2. Last evaluated: 2024-04-10. Review status: criteria provided, single submitter. Criteria: ACMG Guidelines, 2015. Collection method: clinical testing. Allele origin: germline.
Comment: This missense variant replaces glycine with cysteine at codon 229 of the NF2 protein. Computational prediction suggests that this variant may have deleterious impact on protein structure and function. To our knowledge, functional studies have not been reported for this variant. This variant has not been reported in individuals affected with NF2-related disorders in the literature. This variant has been identified in 2/251470 chromosomes in the general population by the Genome Aggregation Database (gnomAD). The available evidence is insufficient to determine the role of this variant in disease conclusively. Therefore, this variant is classified as a Variant of Uncertain Significance.

Ambry Genetics
Classification: Likely benign for Hereditary cancer-predisposing syndrome. Last evaluated: 2022-08-04. Review status: criteria provided, single submitter. Criteria: Ambry Variant Classification Scheme 2023. Collection method: clinical testing. Allele origin: germline.

Genome-Nilou Lab
Classification: Uncertain significance for Neurofibromatosis, type 2. Last evaluated: 2021-11-07. Review status: criteria provided, single submitter. Criteria: ACMG Guidelines, 2015. Collection method: clinical testing. Allele origin: germline. Affected: no.

NM_000268.4(NF2):c.685G>T (p.Gly229Cys)

Gene: NF2 (NF2, moesin-ezrin-radixin like (MERLIN) tumor suppressor; plus strand). Cytogenetic location: 22q12.2.
Variant type: single nucleotide variant.
Coding change: c.685G>T on transcript NM_000268.4 (MANE Select); coding-DNA position 685, G replaced by T.
Protein change: p.Gly229Cys; replaces glycine 229 with cysteine.
Molecular consequence: missense variant. On other transcripts: non-coding transcript variant (1), intron variant (1).
Genome position (GRCh38, 1-based): chr22:29,661,214, G>T. VCF-style: chr22-29661214-G-T. GRCh37 (hg19) VCF-style: chr22-30057203-G-T.
Other names: c.685G>T, p.Gly229Cys (NM_016418.5, NM_181825.3, NM_181832.3); c.559G>T, p.Gly187Cys (NM_181828.3); c.562G>T, p.Gly188Cys (NM_181829.3); c.436G>T, p.Gly146Cys (NM_181830.3, NM_181831.3); c.447+18929G>T (NM_181833.3); short protein forms G229C, G146C, G187C, G188C.
Identifiers: ClinVar variation 641464 (VCV000641464.24), dbSNP rs1028670573, ClinGen allele CA323111820.
Genomic context (GRCh38, chr22:29,661,214, plus strand): 5'-ATTTTGAGCCTCAGCTGGCGCTTACAGTAGCTGTTCTTATTGGATCCACAGAATAAAAAG[G>T]GCACAGAGCTGCTGCTTGGAGTGGATGCCCTGGGGCTTCACATTTATGACCCTGAGAACA-3'
Protein context (NP_000259.1, residues 219-239): VNYFAIRNKK[Gly229Cys]TELLLGVDAL